The following is an entry in ClinVar:

NM_012193.4(FZD4):c.1351G>A (p.Val451Met)

Genes: FZD4 (frizzled class receptor 4; minus strand), PRSS23 (serine protease 23; plus strand). Cytogenetic location: 11q14.2.
Variant type: single nucleotide variant.
Coding change: c.1351G>A on transcript NM_012193.4 (MANE Select); coding-DNA position 1351, G replaced by A.
Protein change: p.Val451Met; replaces valine 451 with methionine.
Molecular consequence: missense variant. On other transcripts: non-coding transcript variant (2).
Genome position (GRCh38, 1-based): chr11:86,951,405, C>T on the plus strand (G>A on the coding strand, the complement: FZD4 is on the minus strand). VCF-style: chr11-86951405-C-T. GRCh37 (hg19) VCF-style: chr11-86662447-C-T.
Other names: c.1351G>A (NM_012193.3); short protein forms V451M.
Identifiers: ClinVar variation 4538937 (VCV004538937.2).

ClinVar aggregate classification (germline): Uncertain significance. Review status: criteria provided, multiple submitters, no conflicts (2 of 4 stars). 2 submissions from 2 submitters: Uncertain significance (2). Last evaluated 2026-03-12.

Conditions:
Inborn genetic diseases. Identifiers: MedGen C0950123, MeSH D030342.

gnomAD v4.1: 5 of 1,613,424 alleles (0.00031%); highest among the groups gnomAD compares: Non-Finnish European, 0.00042%; no homozygotes.

Submissions (2):

Ambry Genetics
Classification: Uncertain significance for Inborn genetic diseases. Last evaluated: 2026-03-12. Review status: criteria provided, single submitter. Criteria: Ambry Variant Classification Scheme 2023. Collection method: clinical testing. Allele origin: germline.

GeneDx
Classification: Uncertain significance. Last evaluated: 2025-06-18. Review status: criteria provided, single submitter. Criteria: GeneDx Variant Classification Process June 2021. Collection method: clinical testing. Allele origin: germline. Affected: yes.
Comment: Not observed at significant frequency in large population cohorts (gnomAD); In silico analysis supports that this missense variant has a deleterious effect on protein structure/function; Has not been previously published as pathogenic or benign to our knowledge